The following is an entry in ClinVar:

NM_152594.3(SPRED1):c.46C>G (p.Arg16Gly)

Gene: SPRED1 (sprouty related EVH1 domain containing 1; plus strand). Cytogenetic location: 15q14.
Variant type: single nucleotide variant.
Coding change: c.46C>G on transcript NM_152594.3 (MANE Select); coding-DNA position 46, C replaced by G.
Protein change: p.Arg16Gly; replaces arginine 16 with glycine.
Molecular consequence: missense variant.
Genome position (GRCh38, 1-based): chr15:38,299,386, C>G. VCF-style: chr15-38299386-C-G. GRCh37 (hg19) VCF-style: chr15-38591587-C-G.
Other names: c.46C>G (NM_152594.2); short protein forms R16G.
Identifiers: ClinVar variation 2139826 (VCV002139826.5), dbSNP rs1057517941, ClinGen allele CA391933794.

ClinVar aggregate classification (germline): Uncertain significance. Review status: criteria provided, multiple submitters, no conflicts (2 of 4 stars). 2 submissions from 2 submitters: Uncertain significance (2). Last evaluated 2026-01-06.

Conditions:
Legius syndrome. Identifiers: Orphanet 137605, MedGen C1969623, MONDO:0012669, OMIM 611431. Disease mechanism: loss of function.
Cardiovascular phenotype. Identifiers: MedGen CN230736.

Submissions (2):

Ambry Genetics
Classification: Uncertain significance for Cardiovascular phenotype. Last evaluated: 2026-01-06. Review status: criteria provided, single submitter. Criteria: Ambry Variant Classification Scheme 2023. Collection method: clinical testing. Allele origin: germline.
Comment: The p.R16G variant (also known as c.46C>G), located in coding exon 2 of the SPRED1 gene, results from a C to G substitution at nucleotide position 46. The arginine at codon 16 is replaced by glycine, an amino acid with dissimilar properties. This amino acid position is conserved. In addition, this alteration is predicted to be deleterious by in silico analysis. Based on the available evidence, the clinical significance of this variant remains unclear.

Labcorp Genetics (formerly Invitae), Labcorp
Classification: Uncertain significance for Legius syndrome. Last evaluated: 2022-03-18. Review status: criteria provided, single submitter. Criteria: Invitae Variant Classification Sherloc (09022015). Collection method: clinical testing. Allele origin: germline.
Comment: This sequence change replaces arginine, which is basic and polar, with glycine, which is neutral and non-polar, at codon 16 of the SPRED1 protein (p.Arg16Gly). This variant is not present in population databases (gnomAD no frequency). In summary, the available evidence is currently insufficient to determine the role of this variant in disease. Therefore, it has been classified as a Variant of Uncertain Significance. Algorithms developed to predict the effect of missense changes on protein structure and function are either unavailable or do not agree on the potential impact of this missense change (SIFT: "Tolerated"; PolyPhen-2: "Probably Damaging"; Align-GVGD: "Class C0"). This variant has not been reported in the literature in individuals affected with SPRED1-related conditions.